The following is an entry in ClinVar:

NM_005560.6(LAMA5):c.4307G>A (p.Arg1436His)

Gene: LAMA5 (laminin subunit alpha 5; minus strand). Cytogenetic location: 20q13.33.
Variant type: single nucleotide variant.
Coding change: c.4307G>A on transcript NM_005560.6 (MANE Select); coding-DNA position 4307, G replaced by A.
Protein change: p.Arg1436His; replaces arginine 1436 with histidine.
Molecular consequence: missense variant.
Genome position (GRCh38, 1-based): chr20:62,328,984, C>T on the plus strand (G>A on the coding strand, the complement: LAMA5 is on the minus strand). VCF-style: chr20-62328984-C-T. GRCh37 (hg19) VCF-style: chr20-60904040-C-T.
Other names: c.4307G>A (NM_005560.4); short protein forms R1436H.
Identifiers: ClinVar variation 1600406 (VCV001600406.11), dbSNP rs141060476, ClinGen allele CA9942646.

ClinVar aggregate classification (germline): Benign. Review status: criteria provided, multiple submitters, no conflicts (2 of 4 stars). 3 submissions from 3 submitters: Benign (2). 1 of the submissions does not count toward it. Last evaluated 2026-01-19.

Conditions:
LAMA5-related disorder. Also called: LAMA5-Related Disorders; LAMA5-related condition.

Allele frequency attached by ClinVar (database versions not stated): gnomAD exomes 0.00030 and 0.00074; ExAC 0.00098; ESP Exome Variant Server 0.00300; 1000 Genomes Project 0.00379; 1000 Genomes Project 30x 0.00437.
gnomAD v4.1: 947 of 1,612,582 alleles (0.059%); highest among the groups gnomAD compares: African/African-American, 1.2%; 6 homozygotes.

Submissions (3):

Labcorp Genetics (formerly Invitae), Labcorp
Classification: Benign. Last evaluated: 2026-01-19. Review status: criteria provided, single submitter. Criteria: Invitae Variant Classification Sherloc (09022015). Collection method: clinical testing. Allele origin: germline.

Breakthrough Genomics
Classification: Benign. Review status: criteria provided, single submitter. Criteria: ACMG Guidelines, 2015. Collection method: not provided. Allele origin: germline. Inheritance: Autosomal recessive inheritance. Affected: yes.

PreventionGenetics, part of Exact Sciences
Classification: Benign for LAMA5-related condition. Last evaluated: 2019-04-25. Review status: no assertion criteria provided. Collection method: clinical testing. Allele origin: germline. Not counted in ClinVar's aggregate classification.
Comment: This variant is classified as benign based on ACMG/AMP sequence variant interpretation guidelines (Richards et al. 2015 PMID: 25741868, with internal and published modifications).